The following is an entry in ClinVar:

ClinVar aggregate classification (germline): Uncertain significance (1 of 4 stars; one submission).

gnomAD v4.1: 1 of 1,609,964 alleles (0.000062%); highest among the groups gnomAD compares: Admixed American, 0.0017%; no homozygotes.

Submission:

Labcorp Genetics (formerly Invitae), Labcorp
Classification: Uncertain significance. Last evaluated: 2025-09-25. Review status: criteria provided, single submitter. Criteria: Invitae Variant Classification Sherloc (09022015). Collection method: clinical testing. Allele origin: germline.
Comment: This sequence change replaces threonine, which is neutral and polar, with proline, which is neutral and non-polar, at codon 547 of the RASA2 protein (p.Thr547Pro). This variant is present in population databases (no rsID available, gnomAD 0.003%). This variant has not been reported in the literature in individuals affected with RASA2-related conditions. ClinVar contains an entry for this variant (Variation ID: 1943885). Invitae Evidence Modeling of protein sequence and biophysical properties (such as structural, functional, and spatial information, amino acid conservation, physicochemical variation, residue mobility, and thermodynamic stability) indicates that this missense variant is not expected to disrupt RASA2 protein function with a negative predictive value of 80%. In summary, the available evidence is currently insufficient to determine the role of this variant in disease. Therefore, it has been classified as a Variant of Uncertain Significance.

NM_006506.5(RASA2):c.1639A>C (p.Thr547Pro)

Gene: RASA2 (RAS p21 protein activator 2; plus strand). Cytogenetic location: 3q23.
Variant type: single nucleotide variant.
Coding change: c.1639A>C on transcript NM_006506.5 (MANE Select); coding-DNA position 1639, A replaced by C.
Protein change: p.Thr547Pro; replaces threonine 547 with proline.
Molecular consequence: missense variant.
Genome position (GRCh38, 1-based): chr3:141,580,416, A>C. VCF-style: chr3-141580416-A-C. GRCh37 (hg19) VCF-style: chr3-141299258-A-C.
Other names: c.1639A>C, p.Thr547Pro (NM_001303245.3, NM_001303246.3); short protein forms T547P.
Identifiers: ClinVar variation 1943885 (VCV001943885.5), dbSNP rs1234300831, ClinGen allele CA354779800.